The following is an entry in ClinVar:

ClinVar aggregate classification (germline): Likely benign. Review status: criteria provided, multiple submitters, no conflicts (2 of 4 stars). 2 submissions from 2 submitters: Likely benign (2). Last evaluated 2026-07-01.

Conditions:
Inborn genetic diseases. Identifiers: MedGen C0950123, MeSH D030342.

Allele frequency attached by ClinVar (database versions not stated): 1000 Genomes Project 0.00020; gnomAD 0.00005; TOPMed 0.00008; ExAC 0.00010; gnomAD exomes 0.00014; 1000 Genomes Project 30x 0.00016; ESP Exome Variant Server 0.00017.

Submissions (2):

CeGaT Center for Human Genetics Tuebingen
Classification: Likely benign. Last evaluated: 2026-07-01. Review status: criteria provided, single submitter. Criteria: CeGaT Center For Human Genetics Tuebingen Variant Classification Criteria Version 2. Collection method: clinical testing. Allele origin: germline. Affected: yes. Observed: 1 variant allele.
Comment: SHANK3: BP4

Ambry Genetics
Classification: Likely benign for Inborn genetic diseases. Last evaluated: 2019-10-23. Review status: criteria provided, single submitter. Criteria: Ambry Variant Classification Scheme 2023. Collection method: clinical testing. Allele origin: germline.

NM_001372044.2(SHANK3):c.3381C>T (p.Ser1127=)

Gene: SHANK3 (SH3 and multiple ankyrin repeat domains 3; plus strand). Cytogenetic location: 22q13.33.
Variant type: single nucleotide variant.
Coding change: c.3381C>T on transcript NM_001372044.2 (MANE Select); coding-DNA position 3381, C replaced by T.
Protein change: p.Ser1127=; no amino-acid change (serine 1127 retained).
Molecular consequence: synonymous variant.
Genome position (GRCh38, 1-based): chr22:50,720,989, C>T. VCF-style: chr22-50720989-C-T. GRCh37 (hg19) VCF-style: chr22-51159417-C-T.
Other names: c.3156C>T, p.Ser1052= (NM_033517.1).
Identifiers: ClinVar variation 1728237 (VCV001728237.3), dbSNP rs373204329, ClinGen allele CA10325966.